The following is an entry in ClinVar:

NM_020738.4(KIDINS220):c.3504dup (p.Pro1169fs)

Gene: KIDINS220 (kinase D interacting substrate 220; minus strand). Cytogenetic location: 2p25.1.
Variant type: Duplication.
Coding change: c.3504dup on transcript NM_020738.4 (MANE Select); coding-DNA position 3504, one base duplicated (G; older notation c.3504dupG).
Protein change: p.Pro1169fs; shifts the reading frame from proline 1169.
Molecular consequence: frameshift variant. On other transcripts: non-coding transcript variant (1), intron variant (8).
Genome position (GRCh38, 1-based): chr2:8,747,911, C duplicated on the plus strand (G on the coding strand, the reverse complement: KIDINS220 is on the minus strand). VCF-style (leftmost placement, unchanged base first): chr2-8747910-G-GC. GRCh37 (hg19) VCF-style: chr2-8888040-G-GC.
Other names: c.3507dup, p.Pro1170fs (NM_001348729.2, NM_001348731.2); c.3504dup, p.Pro1169fs (NM_001348732.2, NM_001348738.2); c.3414+2201dup (NM_001348741.2, NM_001348742.2, NM_001348743.2 and 1 more transcripts); c.3417+2201dup (NM_001348739.2, NM_001348740.2, NM_001348734.2); c.3288+2201dup (NM_001348736.2); short protein forms P1169fs, P1170fs.
Identifiers: ClinVar variation 2444156 (VCV002444156.1), dbSNP rs2527596188, ClinGen allele CA2580068140.

ClinVar aggregate classification (germline): Pathogenic (1 of 4 stars; one submission).

Conditions:
Ventriculomegaly and arthrogryposis. Identifiers: MedGen C5561973, MONDO:0859184, OMIM 619501.

Submission:

3billion
Classification: Pathogenic for Ventriculomegaly and arthrogryposis. Last evaluated: 2023-02-23. Review status: criteria provided, single submitter. Criteria: ACMG Guidelines, 2015. Collection method: clinical testing. Allele origin: unknown. Affected: yes.
Comment: The variant is not observed in the gnomAD v2.1.1 dataset. This variant was predicted to result in a loss or disruption of normal protein function through nonsense-mediated decay (NMD) or protein truncation. Multiple pathogenic variants are reported downstream of the variant. Therefore, this variant is classified as Pathogenic according to the recommendation of ACMG/AMP guideline.